The following is an entry in ClinVar:

NM_001365276.2(TNXB):c.3796G>T (p.Glu1266Ter)

Gene: TNXB (tenascin XB; minus strand). Cytogenetic location: 6p21.33.
Variant type: single nucleotide variant.
Coding change: c.3796G>T on transcript NM_001365276.2 (MANE Select); coding-DNA position 3796, G replaced by T.
Protein change: p.Glu1266Ter; replaces glutamic acid 1266 with a stop codon.
Molecular consequence: nonsense.
Genome position (GRCh38, 1-based): chr6:32,081,614, C>A on the plus strand (G>T on the coding strand, the complement: TNXB is on the minus strand). VCF-style: chr6-32081614-C-A. GRCh37 (hg19) VCF-style: chr6-32049391-C-A.
Other names: c.4537G>T, p.Glu1513Ter (NM_001428335.1); c.3796G>T, p.Glu1266Ter (NM_019105.8); short protein forms E1266*, E1513*.
Identifiers: ClinVar variation 5013386 (VCV005013386.1).

ClinVar aggregate classification (germline): Pathogenic (1 of 4 stars; one submission).

Conditions:
Ehlers-Danlos syndrome due to tenascin-X deficiency (EDSCLL1). Also called: Ehlers-Danlos syndrome, classic-like, 1; EHLERS-DANLOS SYNDROME, CLASSIC-LIKE; TNXB-Related Classical-Like Ehlers-Danlos Syndrome; EDS DUE TO TNX DEFICIENCY; TNX DEFICIENCY. Identifiers: Orphanet 230839, MedGen C1848029, MONDO:0011670, OMIM 606408.

Submission:

Myriad Genetics, Inc.
Classification: Pathogenic for Ehlers-Danlos syndrome due to tenascin-X deficiency. Last evaluated: 2024-07-30. Review status: criteria provided, single submitter. Criteria: Myriad Autosomal Dominant, Autosomal Recessive and X-Linked Classification Criteria (2023). Collection method: clinical testing. Allele origin: unknown.
Comment: NM_019105.6(TNXB):c.3796G>T(E1266*) is expected to be pathogenic in the context of classical-like Ehlers-Danlos syndrome, TNXB-related. This variant is predicted to lead to an abnormal or absent protein product due to the creation of a premature termination codon in TNXB, a gene where loss-of-function variants are known to be pathogenic. Please note: this variant was assessed in the context of healthy population screening.